The following is an entry in ClinVar:

ClinVar aggregate classification (germline): Uncertain significance (1 of 4 stars; one submission).

Conditions:
Cardiovascular phenotype. Identifiers: MedGen CN230736.

Submission:

Ambry Genetics
Classification: Uncertain significance for Cardiovascular phenotype. Last evaluated: 2024-10-27. Review status: criteria provided, single submitter. Criteria: Ambry Variant Classification Scheme 2023. Collection method: clinical testing. Allele origin: germline.
Comment: The p.T3381K variant (also known as c.10142C>A), located in coding exon 2 of the ZNF469 gene, results from a C to A substitution at nucleotide position 10142. The threonine at codon 3381 is replaced by lysine, an amino acid with similar properties. This amino acid position is conserved. In addition, this alteration is predicted to be tolerated by in silico analysis. Based on the available evidence, the clinical significance of this variant remains unclear.

NM_001367624.2(ZNF469):c.10226C>A (p.Thr3409Lys)

Gene: ZNF469 (zinc finger protein 469; plus strand). Cytogenetic location: 16q24.2.
Variant type: single nucleotide variant.
Coding change: c.10226C>A on transcript NM_001367624.2 (MANE Select); coding-DNA position 10226, C replaced by A.
Protein change: p.Thr3409Lys; replaces threonine 3409 with lysine.
Molecular consequence: missense variant.
Genome position (GRCh38, 1-based): chr16:88,437,696, C>A. VCF-style: chr16-88437696-C-A. GRCh37 (hg19) VCF-style: chr16-88504104-C-A.
Other names: NM_001127464.1:c.10142C>A; short protein forms T3409K.
Identifiers: ClinVar variation 3476253 (VCV003476253.1).